The following is an entry in ClinVar:

ClinVar aggregate classification (germline): Uncertain significance. Review status: criteria provided, multiple submitters, no conflicts (2 of 4 stars). 5 submissions from 5 submitters: Uncertain significance (3). 2 of the submissions do not count toward it. Last evaluated 2025-02-24.

Conditions:
Hereditary cancer-predisposing syndrome. Also called: Hereditary Cancer Syndrome; Tumor predisposition; Hereditary neoplastic syndrome; Neoplastic Syndromes, Hereditary. Identifiers: Orphanet 140162, MedGen C0027672, MeSH D009386, MONDO:0015356.
Hereditary breast ovarian cancer syndrome. Also called: Hereditary breast and/or ovarian cancer syndrome; Hereditary breast and ovarian cancer syndrome; Hereditary breast and ovarian cancer syndrome (HBOC); Breast and ovarian cancer; Hereditary breast and ovarian cancer; BRCA1- and BRCA2-Associated Hereditary Breast and Ovarian Cancer. Identifiers: Orphanet 145, MedGen C0677776, MeSH D061325, MONDO:0003582. Disease mechanism: loss of function.
Familial cancer of breast. Also called: Hereditary breast cancer; hereditary breast carcinoma; BREAST CANCER, FAMILIAL. Identifiers: Orphanet 227535, MedGen C0346153, MONDO:0016419, OMIM 114480. Disease mechanism: loss of function.

Submissions (5):

Labcorp Genetics (formerly Invitae), Labcorp
Classification: Uncertain significance for Hereditary breast ovarian cancer syndrome. Last evaluated: 2025-02-24. Review status: criteria provided, single submitter. Criteria: Invitae Variant Classification Sherloc (09022015). Collection method: clinical testing. Allele origin: germline.
Comment: This sequence change falls in intron 19 of the BRCA2 gene. It does not directly change the encoded amino acid sequence of the BRCA2 protein. It affects a nucleotide within the consensus splice site. This variant is not present in population databases (gnomAD no frequency). This variant has not been reported in the literature in individuals affected with BRCA2-related conditions. ClinVar contains an entry for this variant (Variation ID: 1047302). Variants that disrupt the consensus splice site are a relatively common cause of aberrant splicing (PMID: 17576681, 9536098). Algorithms developed to predict the effect of sequence changes on RNA splicing suggest that this variant may disrupt the consensus splice site. In summary, the available evidence is currently insufficient to determine the role of this variant in disease. Therefore, it has been classified as a Variant of Uncertain Significance.

KCCC/NGS Laboratory, Kuwait Cancer Control Center
Classification: Uncertain significance for Familial cancer of breast. Last evaluated: 2023-09-13. Review status: criteria provided, single submitter. Criteria: ACMG Guidelines, 2015. Collection method: clinical testing. Allele origin: germline. Inheritance: Autosomal dominant inheritance. Affected: yes. Observed: 1 heterozygote.
Comment: This sequence change falls in intron area of the BRCA2 gene. It does not directly change the encoded amino acid sequence of the BRCA2 protein. It affects a nucleotide within the consensus splice site of the intron. This variant is not present in population databases (ExAC no frequency). Variants that disrupt the consensus splice site are a relatively common cause of aberrant splicing (PMID: 17576681, 9536098).This variant submitted in Clinvar (1047302) by three clinical laboratories and classified as uncertain significant variant . Algorithms developed to predict the effect of sequence changes on RNA splicing suggest that this variant may disrupt the consensus splice site. In summary, the available evidence is currently insufficient to determine the role of this variant in disease. Therefore, it has been classified as a Variant of Uncertain Significance

Ambry Genetics
Classification: Uncertain significance for Hereditary cancer-predisposing syndrome. Last evaluated: 2023-07-14. Review status: criteria provided, single submitter. Criteria: Ambry Variant Classification Scheme 2023. Collection method: clinical testing. Allele origin: germline.
Comment: The c.8488-3C>A intronic variant results from a C to A substitution 3 nucleotides upstream from coding exon 19 in the BRCA2 gene. This nucleotide position is well conserved in available vertebrate species. In silico splice site analysis for this alteration is inconclusive. Since supporting evidence is limited at this time, the clinical significance of this alteration remains unclear.

Breast Care Center, Daerim St. Mary`s Hospital
Classification: Uncertain significance for Hereditary breast ovarian cancer syndrome. Last evaluated: 2023-06-27. Review status: no assertion criteria provided. Collection method: clinical testing. Allele origin: germline. Affected: yes. Observed: 1 heterozygote. Not counted in ClinVar's aggregate classification.
Comment: The variant was observed in only one case within the database of a single breast care center institution covering approximately 1700 cases.

Department of Pathology and Laboratory Medicine, Sinai Health System
Classification: Uncertain significance. Review status: no assertion criteria provided. Collection method: clinical testing. Allele origin: unknown. Affected: yes. Study: The Canadian Open Genetics Repository (COGR). Not counted in ClinVar's aggregate classification.

Literature cited by the submitters: PubMed 17576681 (cited by Labcorp Genetics (formerly Invitae), Labcorp); PubMed 9536098 (cited by Labcorp Genetics (formerly Invitae), Labcorp).

NM_000059.4(BRCA2):c.8488-3C>A

Gene: BRCA2 (BRCA2 DNA repair associated; plus strand). Cytogenetic location: 13q13.1.
Variant type: single nucleotide variant.
Coding change: c.8488-3C>A on transcript NM_000059.4 (MANE Select); 3 bases into the intron before coding-DNA position 8488, C replaced by A.
Molecular consequence: intron variant.
Genome position (GRCh38, 1-based): chr13:32,370,953, C>A. VCF-style: chr13-32370953-C-A. GRCh37 (hg19) VCF-style: chr13-32945090-C-A.
Other names: c.8488-3C>A (NM_000059.3).
Identifiers: ClinVar variation 1047302 (VCV001047302.13), dbSNP rs1566249158, ClinGen allele CA2082815218.